The following is an entry in ClinVar:

ClinVar aggregate classification (germline): Conflicting classifications of pathogenicity. Review status: criteria provided, conflicting classifications (1 of 4 stars). 3 submissions from 3 submitters: Uncertain significance (2); Likely benign (1). Last evaluated 2026-09-21.

Allele frequency attached by ClinVar (database versions not stated): TOPMed below 0.00001; gnomAD 0.00001; ExAC 0.00002.
gnomAD v4.1: 64 of 1,613,402 alleles (0.004%); highest among the groups gnomAD compares: South Asian, 0.0066%; no homozygotes.

Submissions (3):

Molecular Diagnostic Laboratory for Inherited Cardiovascular Disease, Montreal Heart Institute
Classification: Likely benign. Last evaluated: 2026-09-21. Review status: criteria provided, single submitter. Criteria: ACMG Guidelines, 2015. Collection method: clinical testing. Allele origin: germline. Affected: no.
Comment: BP1

ARUP Laboratories, Molecular Genetics and Genomics, ARUP Laboratories
Classification: Uncertain significance. Last evaluated: 2024-05-17. Review status: criteria provided, single submitter. Criteria: ARUP Molecular Germline Variant Investigation Process 2024. Collection method: clinical testing. Allele origin: germline.
Comment: The TTN c.79079G>A; p.Arg26360His variant (rs761481924 ; ClinVar Variation ID: 2438322) is rare in the general population (<0.2% allele frequency in the Genome Aggregation Database) and has not been reported in the medical literature in association with dilated cardiomyopathy (DCM) or other TTN-related disease. The clinical relevance of rare missense variants in this gene, which are identified on average once per individual sequenced in affected populations (Herman 2012), is not well understood. Yet, evidence suggests that the vast majority of such missense variants do not contribute to the clinical outcome of DCM (Begay 2015). Thus, the clinical significance of the p.Arg26360His variant cannot be determined with certainty. References: Begay RL et al. Role of Titin Missense Variants in Dilated Cardiomyopathy. J Am Heart Assoc. 2015 Nov 13;4(11). PMID: 26567375. Herman DS et al. Truncations of titin causing dilated cardiomyopathy. N Engl J Med. 2012 Feb 16;366(7):619-28. PMID: 22335739. Linke WA and Hamdani N. Gigantic business: titin properties and function through thick and thin. Circ Res 2014; 114(6): 1052-1068. PMID: 24625729.

Revvity Omics, Revvity
Classification: Uncertain significance. Last evaluated: 2023-12-28. Review status: criteria provided, single submitter. Criteria: ACMG Guidelines, 2015. Collection method: clinical testing. Allele origin: germline.

NM_001267550.2(TTN):c.79079G>A (p.Arg26360His)

Genes: TTN (titin; minus strand), TTN-AS1 (TTN antisense RNA 1; plus strand). Cytogenetic location: 2q31.2.
Variant type: single nucleotide variant.
Coding change: c.79079G>A on transcript NM_001267550.2 (MANE Select); coding-DNA position 79079, G replaced by A.
Protein change: p.Arg26360His; replaces arginine 26360 with histidine.
Molecular consequence: missense variant.
Genome position (GRCh38, 1-based): chr2:178,567,053, C>T on the plus strand (G>A on the coding strand, the complement: TTN is on the minus strand). VCF-style: chr2-178567053-C-T. GRCh37 (hg19) VCF-style: chr2-179431780-C-T.
Other names: c.74156G>A, p.Arg24719His (NM_001256850.1); c.51884G>A, p.Arg17295His (NM_003319.4); c.71375G>A, p.Arg23792His (NM_133378.4); c.52259G>A, p.Arg17420His (NM_133432.3); c.52460G>A, p.Arg17487His (NM_133437.4); short protein forms R17295H, R17420H, R17487H, R23792H, R24719H, R26360H.
Identifiers: ClinVar variation 2438322 (VCV002438322.5), dbSNP rs761481924, ClinGen allele CA1989529.